The following is an entry in ClinVar:

NM_005629.4(SLC6A8):c.457dup (p.Ala153fs)

Gene: SLC6A8 (solute carrier family 6 member 8; plus strand). Cytogenetic location: Xq28.
Variant type: Duplication.
Coding change: c.457dup on transcript NM_005629.4 (MANE Select); coding-DNA position 457, one base duplicated (G; older notation c.457dupG).
Protein change: p.Ala153fs; shifts the reading frame from alanine 153.
Molecular consequence: frameshift variant.
Genome position (GRCh38, 1-based): chrX:153,691,366, G duplicated; the last of 2 consecutive G bases (chrX:153,691,365-153,691,366); duplicating either gives the same sequence. VCF-style (leftmost placement, unchanged base first): chrX-153691364-T-TG. GRCh37 (hg19) VCF-style: chrX-152956819-T-TG.
Other names: NM_005629.4(SLC6A8):c.457dup; p.Ala153fs; c.457dup, p.Ala153fs (NM_001142805.2); c.112dup, p.Ala38fs (NM_001142806.1); c.457dupG (NM_005629.3); short protein forms A38fs, A153fs.
Identifiers: ClinVar variation 651752 (VCV000651752.7), dbSNP rs1603215013, ClinGen allele CA915952142.

ClinVar aggregate classification (germline): Likely pathogenic. Review status: reviewed by expert panel (3 of 4 stars). 2 submissions from 2 submitters: Likely pathogenic (1). 1 of the submissions does not count toward it. Last evaluated 2025-01-09.

Conditions:
Creatine transporter deficiency (CCDS1). Also called: Mental retardation , X-linked with seizures, short stature and midface hypoplasia; Mental retardation , X-linked, with creatine transport deficiency; X-linked creatine transporter deficiency; X-linked creatine deficiency syndrome; SLC6A8-Related Creatine Transporter Deficiency; CREATINE TRANSPORTER DEFECT. Identifiers: Orphanet 52503, MedGen C1845862, MONDO:0010305, OMIM 300352.

Submissions (2):

ClinGen Cerebral Creatine Deficiency Syndromes Variant Curation Expert Panel, ClinGen
Classification: Likely pathogenic for Creatine transporter deficiency. Last evaluated: 2025-01-09. Review status: reviewed by expert panel. Criteria: ClinGen_CCDS_ACMG_Specifications_SLC6A8_v1.1. Collection method: curation. Allele origin: germline. Inheritance: X-linked inheritance.
Comment: The NM_005629.4:c.457dup (p.Ala153GlyfsTer36) variant in SLC6A8 is a frameshift variant predicted to cause a premature stop codon in biologically-relevant-exon 3 out of 13, leading to nonsense mediated decay in a gene in which loss-of-function is an established disease mechanism (PVS1). The variant is absent in gnomAD v2.1.1. and v.4.1.0. ((PM2_Supporting). To out knowledge, this variant has not been reported in the literature in individuals with creatine transporter deficiency. There is a ClinVar entry for this variant (Variation ID: 651752). The classification of this variant has been upgraded from Variant of Uncertain Significance to Likely Pathogenic based on the recommendations of the ClinGen Sequence Variant Interpretation Working Group, that a variant meeting PVS1 and PM2_Supporting is classified as Likely Pathogenic. In summary, this variant meets the criteria to be classified as likely pathogenic for X-linked creatine transporter deficiency. SLC6A8-specific ACMG/AMP criteria met, as specified by the ClinGen Cerebral creatine Deficiency Syndromes Variant Curation Expert Panel (Specifications Version 1.1.0): PVS1, PM2_Supporting (Classification approved by the ClinGen Cerebral Creatine Deficiencies Variant Curation Expert Panel, Jan 9, 2025)

Labcorp Genetics (formerly Invitae), Labcorp
Classification: Pathogenic for Creatine transporter deficiency. Last evaluated: 2021-01-15. Review status: criteria provided, single submitter. Criteria: Invitae Variant Classification Sherloc (09022015). Collection method: clinical testing. Allele origin: germline. Not counted in ClinVar's aggregate classification.
Comment: This variant is not present in population databases (ExAC no frequency). This variant has not been reported in the literature in individuals with SLC6A8-related conditions. ClinVar contains an entry for this variant (Variation ID: 651752). For these reasons, this variant has been classified as Pathogenic. This sequence change creates a premature translational stop signal (p.Ala153Glyfs*36) in the SLC6A8 gene. It is expected to result in an absent or disrupted protein product. Loss-of-function variants in SLC6A8 are known to be pathogenic (PMID: 22281021).

Literature cited by the submitters: PubMed 22281021 (cited by Labcorp Genetics (formerly Invitae), Labcorp).